The following is an entry in ClinVar:

NM_000492.4(CFTR):c.164+2T>C

Gene: CFTR (CF transmembrane conductance regulator; plus strand). Cytogenetic location: 7q31.2.
Variant type: single nucleotide variant.
Coding change: c.164+2T>C on transcript NM_000492.4 (MANE Select); the canonical splice donor site of the intron after coding-DNA position 164, T replaced by C.
Molecular consequence: splice donor variant.
Genome position (GRCh38, 1-based): chr7:117,504,365, T>C. VCF-style: chr7-117504365-T-C. GRCh37 (hg19) VCF-style: chr7-117144419-T-C.
Identifiers: ClinVar variation 53306 (VCV000053306.9), dbSNP rs121908800, ClinGen allele CA326565.

ClinVar aggregate classification (germline): Pathogenic. Review status: reviewed by expert panel (3 of 4 stars). 6 submissions from 6 submitters: Pathogenic (1). 5 of the submissions do not count toward it. Last evaluated 2017-12-08.

Conditions:
CFTR-related disorder (CFTR-RD). Also called: CFTR-related disorders; CFTR-related condition. Identifiers: MedGen C5924204, MONDO:7770004.
Cystic fibrosis (CF). Also called: MUCOVISCIDOSIS. Identifiers: Orphanet 586, MedGen C0010674, MONDO:0009061, OMIM 219700. Disease mechanism: loss of function.
Congenital bilateral aplasia of vas deferens from CFTR mutation (CBAVD). Identifiers: Orphanet 48, MedGen C0403814, MONDO:0010178, OMIM 277180. Disease mechanism: loss of function.

Allele frequency attached by ClinVar (database versions not stated): gnomAD exomes 0.00001.

Submissions (6):

CFTR2
Classification: Pathogenic for Cystic fibrosis. Last evaluated: 2017-12-08. Review status: reviewed by expert panel. Criteria: Sosnay PR et al. (Nat Genet 2013). Collection method: research. Allele origin: germline. Affected: yes.

Otogenetics
Classification: Pathogenic for Cystic fibrosis; Congenital bilateral aplasia of vas deferens from CFTR mutation. Last evaluated: 2025-10-21. Review status: criteria provided, single submitter. Criteria: ACMG Guidelines, 2015. Collection method: clinical testing. Allele origin: germline. Not counted in ClinVar's aggregate classification.
Comment: PVS1: Null variant in gene with loss of function as mechanism of disease occurring in canonical splice site, disrupting the reading frame and predicted to undergo NMD; PM2: Variant not observed in gnomAD (<0.296% threshold); PP3: In-silico models predict deleterious effect (MutationTaster = 1, BayesDel = 0.66)

Labcorp Genetics (formerly Invitae), Labcorp
Classification: Pathogenic for Cystic fibrosis. Last evaluated: 2023-09-29. Review status: criteria provided, single submitter. Criteria: Invitae Variant Classification Sherloc (09022015). Collection method: clinical testing. Allele origin: germline. Not counted in ClinVar's aggregate classification.
Comment: Disruption of this splice site has been observed in individual(s) with cystic fibrosis (PMID: 15365999). This variant is not present in population databases (gnomAD no frequency). This sequence change affects a donor splice site in intron 2 of the CFTR gene. It is expected to disrupt RNA splicing. Variants that disrupt the donor or acceptor splice site typically lead to a loss of protein function (PMID: 16199547), and loss-of-function variants in CFTR are known to be pathogenic (PMID: 1695717, 7691345, 9725922). Algorithms developed to predict the effect of sequence changes on RNA splicing suggest that this variant may disrupt the consensus splice site. ClinVar contains an entry for this variant (Variation ID: 53306). For these reasons, this variant has been classified as Pathogenic.

Juno Genomics, Hangzhou Juno Genomics, Inc
Classification: Likely pathogenic for Congenital bilateral aplasia of vas deferens from CFTR mutation; Cystic fibrosis. Review status: criteria provided, single submitter. Criteria: ACMG Guidelines, 2015. Collection method: clinical testing. Allele origin: germline. Affected: yes. Not counted in ClinVar's aggregate classification.
Comment: Absent from controls (or at extremely low frequency if recessive) in Genome Aggregation Database, Exome Sequencing Project, 1000 Genomes Project, or Exome Aggregation Consortium.;Null variant in a gene where loss of function (LOF) is a known mechanism of disease.;Patient's phenotype or family history is highly specific for a disease with a single genetic etiology.

Natera, Inc.
Classification: Pathogenic for CFTR-related disorders. Last evaluated: 2017-03-17. Review status: no assertion criteria provided. Collection method: clinical testing. Allele origin: germline. Not counted in ClinVar's aggregate classification.

ClinVar Staff, National Center for Biotechnology Information (NCBI)
No classification provided. Condition: CFTR-related disorders. Review status: no classification provided. Collection method: literature only. Allele origin: germline. Affected: yes. Not counted in ClinVar's aggregate classification.

Literature cited by the submitters: PubMed 15365999 (cited by Labcorp Genetics (formerly Invitae), Labcorp); PubMed 16199547 (cited by Labcorp Genetics (formerly Invitae), Labcorp); PubMed 1695717 (cited by Labcorp Genetics (formerly Invitae), Labcorp); PubMed 7691345 (cited by Labcorp Genetics (formerly Invitae), Labcorp); PubMed 9725922 (cited by Labcorp Genetics (formerly Invitae), Labcorp); PubMed 11379874 (cited by ClinVar Staff, National Center for Biotechnology Information (NCBI)).